The following is an entry in ClinVar:

NM_004360.5(CDH1):c.1542C>T (p.Asp514=)

Gene: CDH1 (cadherin 1; plus strand). Cytogenetic location: 16q22.1.
Variant type: single nucleotide variant.
Coding change: c.1542C>T on transcript NM_004360.5 (MANE Select); coding-DNA position 1542, C replaced by T.
Protein change: p.Asp514=; no amino-acid change (aspartic acid 514 retained).
Molecular consequence: synonymous variant. On other transcripts: 5 prime UTR variant (2).
Genome position (GRCh38, 1-based): chr16:68,815,736, C>T. VCF-style: chr16-68815736-C-T. GRCh37 (hg19) VCF-style: chr16-68849639-C-T.
Other names: c.1542C>T (LRG_301t1); c.1359C>T, p.Asp453= (NM_001317184.2); c.-7C>T (NM_001317185.2); c.-278C>T (NM_001317186.2).
Identifiers: ClinVar variation 532493 (VCV000532493.14), dbSNP rs1555516187, ClinGen allele CA496154130.

ClinVar aggregate classification (germline): Benign/Likely benign. Review status: criteria provided, multiple submitters, no conflicts (2 of 4 stars). 3 submissions from 3 submitters: Benign (1); Likely benign (2). Last evaluated 2025-12-30.

Conditions:
Hereditary diffuse gastric adenocarcinoma (HDGC). Also called: DIFFUSE GASTRIC AND LOBULAR BREAST CANCER SYNDROME. Identifiers: Orphanet 26106, MedGen C1708349, MONDO:0007648, OMIM 137215.
Hereditary cancer-predisposing syndrome. Also called: Neoplastic Syndromes, Hereditary; Hereditary neoplastic syndrome; Tumor predisposition; Hereditary Cancer Syndrome. Identifiers: Orphanet 140162, MedGen C0027672, MeSH D009386, MONDO:0015356.

Allele frequency attached by ClinVar (database versions not stated): gnomAD exomes below 0.00001.
gnomAD v4.1: 1 of 1,614,230 alleles (0.000062%); highest among the groups gnomAD compares: Non-Finnish European, 0.000085%; no homozygotes.

Submissions (3):

Labcorp Genetics (formerly Invitae), Labcorp
Classification: Likely benign for Hereditary diffuse gastric adenocarcinoma. Last evaluated: 2025-12-30. Review status: criteria provided, single submitter. Criteria: Invitae Variant Classification Sherloc (09022015). Collection method: clinical testing. Allele origin: germline.

Myriad Genetics, Inc.
Classification: Benign for Hereditary diffuse gastric adenocarcinoma. Last evaluated: 2024-09-19. Review status: criteria provided, single submitter. Criteria: Myriad Autosomal Dominant, Autosomal Recessive and X-Linked Classification Criteria (2023). Collection method: clinical testing. Allele origin: unknown.
Comment: This variant is considered benign. This variant is a silent/synonymous amino acid change and it is not expected to impact splicing.

Ambry Genetics
Classification: Likely benign for Hereditary cancer-predisposing syndrome. Last evaluated: 2018-05-22. Review status: criteria provided, single submitter. Criteria: Ambry Variant Classification Scheme 2023. Collection method: clinical testing. Allele origin: germline.